The following is an entry in ClinVar:

ClinVar aggregate classification (germline): Uncertain significance (1 of 4 stars; one submission).

Conditions:
Werner syndrome (WRN). Identifiers: Orphanet 902, MedGen C0043119, MONDO:0010196, OMIM 277700.

Submission:

Labcorp Genetics (formerly Invitae), Labcorp
Classification: Uncertain significance for Werner syndrome. Last evaluated: 2025-03-17. Review status: criteria provided, single submitter. Criteria: Invitae Variant Classification Sherloc (09022015). Collection method: clinical testing. Allele origin: germline.
Comment: This sequence change replaces arginine, which is basic and polar, with threonine, which is neutral and polar, at codon 564 of the WRN protein (p.Arg564Thr). This variant is not present in population databases (gnomAD no frequency). This variant has not been reported in the literature in individuals affected with WRN-related conditions. ClinVar contains an entry for this variant (Variation ID: 956225). An algorithm developed to predict the effect of missense changes on protein structure and function (PolyPhen-2) suggests that this variant is likely to be disruptive. In summary, the available evidence is currently insufficient to determine the role of this variant in disease. Therefore, it has been classified as a Variant of Uncertain Significance.

NM_000553.6(WRN):c.1691G>C (p.Arg564Thr)

Gene: WRN (WRN RecQ like helicase; plus strand). Cytogenetic location: 8p12.
Variant type: single nucleotide variant.
Coding change: c.1691G>C on transcript NM_000553.6 (MANE Select); coding-DNA position 1691, G replaced by C.
Protein change: p.Arg564Thr; replaces arginine 564 with threonine.
Molecular consequence: missense variant.
Genome position (GRCh38, 1-based): chr8:31,090,503, G>C. VCF-style: chr8-31090503-G-C. GRCh37 (hg19) VCF-style: chr8-30948019-G-C.
Other names: short protein forms R564T.
Identifiers: ClinVar variation 956225 (VCV000956225.6), dbSNP rs1813704825, ClinGen allele CA370926979.